The following is an entry in ClinVar:

ClinVar aggregate classification (germline): Uncertain significance (1 of 4 stars; one submission).

Conditions:
Intellectual developmental disorder, autosomal dominant 52. Also called: Intellectual disability, autosomal dominant 52; Mental retardation, autosomal dominant 52. Identifiers: MedGen C4540478, MONDO:0030918, OMIM 617796.

Allele frequency attached by ClinVar (database versions not stated): TOPMed 0.00001; gnomAD exomes 0.00002; ExAC 0.00002; gnomAD 0.00001.
gnomAD v4.1: 7 of 1,613,610 alleles (0.00043%); highest among the groups gnomAD compares: Admixed American, 0.012%; no homozygotes.

Submission:

New York Genome Center
Classification: Uncertain significance for Intellectual developmental disorder, autosomal dominant 52. Last evaluated: 2019-12-03. Review status: criteria provided, single submitter. Criteria: NYGC Assertion Criteria 2020. Collection method: clinical testing. Allele origin: germline. Observed: 1 heterozygote. Study: CSER-NYCKidSeq.
Comment: The c.8487G>T (p.Lys2829Asn) variant substitutes a completely conserved Lysine for Asparagine at amino acid 2829/2965 (coding exon 26/28).This variant is found with low frequency in gnomAD (5 heterozygotes, 0 homozygotes; allele frequency: 1.99e-5) and ExAC (2 heterozygotes, 0 homozygotes; allele frequency: 1.65e-5), suggesting it is not a common benign variant in the populations represented in these databases. In silico algorithms do not agree on the effect of this variant, as it is predicted Neutral (Provean; score: -2.13) and Damaging (SIFT; score: 0.001) to the function of the canonical transcript. To our current knowledge has not been reported in affected individuals in the literature. The p.Lys2829 residue does not map to a specific domain and is C-terminal to the highly conserved BAH domain.

NM_018489.3(ASH1L):c.8487G>T (p.Lys2829Asn)

Gene: ASH1L (ASH1 like histone lysine methyltransferase; minus strand). Cytogenetic location: 1q22.
Variant type: single nucleotide variant.
Coding change: c.8487G>T on transcript NM_018489.3 (MANE Select); coding-DNA position 8487, G replaced by T.
Protein change: p.Lys2829Asn; replaces lysine 2829 with asparagine.
Molecular consequence: missense variant.
Genome position (GRCh38, 1-based): chr1:155,339,342, C>A on the plus strand (G>T on the coding strand, the complement: ASH1L is on the minus strand). VCF-style: chr1-155339342-C-A. GRCh37 (hg19) VCF-style: chr1-155309133-C-A.
Other names: c.8502G>T, p.Lys2834Asn (NM_001366177.2); short protein forms K2829N, K2834N.
Identifiers: ClinVar variation 977332 (VCV000977332.3), dbSNP rs749444214, ClinGen allele CA1145871.
Genomic context (GRCh38, chr1:155,339,342, plus strand): 5'-TCTTAGTCAATCCCTTAGGATCCTCATATCCCCCCATGGGACTTACCGTCCTCCATTCCT[C>A]TTGTAGTTGTCTGGGACGTAATGAGGCTGCAGAGAAGAAAAGGAAGAGGTAAGCATATTG-3'
Protein context (NP_060959.2, residues 2819-2839): FSPHYVPDNY[Lys2829Asn]RNGGRSSWKS